The following is an entry in ClinVar:

NM_001367561.1(DOCK7):c.3472-18T>C

Gene: DOCK7 (dedicator of cytokinesis 7; minus strand). Cytogenetic location: 1p31.3.
Variant type: single nucleotide variant.
Coding change: c.3472-18T>C on transcript NM_001367561.1 (MANE Select); 18 bases into the intron before coding-DNA position 3472, T replaced by C.
Molecular consequence: intron variant.
Genome position (GRCh38, 1-based): chr1:62,535,650, A>G on the plus strand (T>C on the coding strand, the complement: DOCK7 is on the minus strand). VCF-style: chr1-62535650-A-G. GRCh37 (hg19) VCF-style: chr1-63001321-A-G.
Other names: c.3379-18T>C (NM_001272001.2, NM_001272000.2, NM_033407.4); c.3472-18T>C (NM_001271999.2, NM_001330614.2).
Identifiers: ClinVar variation 2035455 (VCV002035455.4), dbSNP rs764553357, ClinGen allele CA885983.
Genomic context (GRCh38, chr1:62,535,650, plus strand): 5'-TTGCAATCTTTTGGTCTTGTACATTCGTAGAAAATCCAGAACTCTGTTGGAAAGTGAGGC[A>G]GAACAAGACTATAACAGCAGTGCAACAAAGCATCCTACAGACAGAGCAATATAAGAAATG-3'

ClinVar aggregate classification (germline): Uncertain significance (1 of 4 stars; one submission).

Conditions:
Developmental and epileptic encephalopathy, 23 (DEE23). Also called: Epileptic encephalopathy, early infantile, 23. Identifiers: Orphanet 411986, MedGen C4014492, MONDO:0014371, OMIM 615859.

Allele frequency attached by ClinVar (database versions not stated): gnomAD exomes 0.00001; TOPMed 0.00001; ExAC 0.00001; gnomAD 0.00001.
gnomAD v4.1: 5 of 1,610,654 alleles (0.00031%); highest among the groups gnomAD compares: African/African-American, 0.0053%; no homozygotes.

Submission:

Labcorp Genetics (formerly Invitae), Labcorp
Classification: Uncertain significance for Developmental and epileptic encephalopathy, 23. Last evaluated: 2022-10-13. Review status: criteria provided, single submitter. Criteria: Invitae Variant Classification Sherloc (09022015). Collection method: clinical testing. Allele origin: germline.
Comment: This variant is present in population databases (rs764553357, gnomAD 0.01%). In summary, the available evidence is currently insufficient to determine the role of this variant in disease. Therefore, it has been classified as a Variant of Uncertain Significance. Algorithms developed to predict the effect of sequence changes on RNA splicing suggest that this variant may create or strengthen a splice site. This variant has not been reported in the literature in individuals affected with DOCK7-related conditions. This sequence change falls in intron 28 of the DOCK7 gene. It does not directly change the encoded amino acid sequence of the DOCK7 protein.